The following is an entry in ClinVar:

ClinVar aggregate classification (germline): Pathogenic. Review status: criteria provided, multiple submitters, no conflicts (2 of 4 stars). 4 submissions from 4 submitters: Pathogenic (4). Last evaluated 2026-06-08.

Conditions:
Hereditary cancer-predisposing syndrome. Also called: Neoplastic Syndromes, Hereditary; Hereditary Cancer Syndrome; Tumor predisposition; Hereditary neoplastic syndrome. Identifiers: Orphanet 140162, MedGen C0027672, MeSH D009386, MONDO:0015356.
Familial cancer of breast. Also called: hereditary breast carcinoma; BREAST CANCER, FAMILIAL; Hereditary breast cancer. Identifiers: Orphanet 227535, MedGen C0346153, MONDO:0016419, OMIM 114480. Disease mechanism: loss of function.
PALB2-related cancer predisposition. Identifiers: MedGen CN377761, MONDO:0700272.

Submissions (4):

Ambry Genetics
Classification: Pathogenic for Hereditary cancer-predisposing syndrome. Last evaluated: 2026-06-08. Review status: criteria provided, single submitter. Criteria: Ambry Variant Classification Scheme 2023. Collection method: clinical testing. Allele origin: germline.
Comment: The c.1216delG pathogenic mutation, located in coding exon 4 of the PALB2 gene, results from a deletion of one nucleotide at nucleotide position 1216, causing a translational frameshift with a predicted alternate stop codon (p.A406Qfs*18). This variant is considered to be rare based on population cohorts in the Genome Aggregation Database (gnomAD). This alteration is expected to result in loss of function by premature protein truncation or nonsense-mediated mRNA decay. As such, this alteration is interpreted as a disease-causing mutation.

Labcorp Genetics (formerly Invitae), Labcorp
Classification: Pathogenic for Familial cancer of breast. Last evaluated: 2025-07-13. Review status: criteria provided, single submitter. Criteria: Invitae Variant Classification Sherloc (09022015). Collection method: clinical testing. Allele origin: germline.
Comment: This sequence change creates a premature translational stop signal (p.Ala406Glnfs*18) in the PALB2 gene. It is expected to result in an absent or disrupted protein product. Loss-of-function variants in PALB2 are known to be pathogenic (PMID: 17200668, 17200671, 17200672, 24136930, 25099575). This variant is not present in population databases (gnomAD no frequency). This variant has not been reported in the literature in individuals affected with PALB2-related conditions. ClinVar contains an entry for this variant (Variation ID: 232398). For these reasons, this variant has been classified as Pathogenic.

Myriad Genetics, Inc.
Classification: Pathogenic for Familial cancer of breast. Last evaluated: 2023-09-08. Review status: criteria provided, single submitter. Criteria: Myriad Autosomal Dominant, Autosomal Recessive and X-Linked Classification Criteria (2023). Collection method: clinical testing. Allele origin: unknown.
Comment: This variant is considered pathogenic. This variant creates a frameshift predicted to result in premature protein truncation.

Department of Pathology and Laboratory Medicine, Sinai Health System
Classification: Pathogenic for PALB2-related cancer predisposition. Last evaluated: 2022-11-03. Review status: criteria provided, single submitter. Criteria: ACMG Guidelines, 2015. Collection method: clinical testing. Allele origin: germline. Affected: yes.

Literature cited by the submitters: PubMed 17200668 (cited by Labcorp Genetics (formerly Invitae), Labcorp); PubMed 17200671 (cited by Labcorp Genetics (formerly Invitae), Labcorp); PubMed 17200672 (cited by Labcorp Genetics (formerly Invitae), Labcorp); PubMed 24136930 (cited by Labcorp Genetics (formerly Invitae), Labcorp); PubMed 25099575 (cited by Labcorp Genetics (formerly Invitae), Labcorp).

NM_024675.4(PALB2):c.1216del (p.Ala406fs)

Gene: PALB2 (partner and localizer of BRCA2; minus strand). Cytogenetic location: 16p12.2.
Variant type: Deletion.
Coding change: c.1216del on transcript NM_024675.4 (MANE Select); coding-DNA position 1216, one base deleted (G; older notation c.1216delG).
Protein change: p.Ala406fs; shifts the reading frame from alanine 406.
Molecular consequence: frameshift variant.
Genome position (GRCh38, 1-based): chr16:23,635,330, C deleted on the plus strand (G on the coding strand, the reverse complement: PALB2 is on the minus strand). VCF-style (leftmost placement, unchanged base first): chr16-23635329-GC-G. GRCh37 (hg19) VCF-style: chr16-23646650-GC-G.
Other names: c.1216delG (NM_024675.3); short protein forms A406fs.
Identifiers: ClinVar variation 232398 (VCV000232398.16), dbSNP rs876659741, ClinGen allele CA10580017.